The following is an entry in ClinVar:

NM_001715.3(BLK):c.404A>C (p.Glu135Ala)

Genes: BLK (BLK proto-oncogene, Src family tyrosine kinase), LOC126860303 (CDK7 strongly-dependent group 2 enhancer GRCh37_chr8:11407118-11408317). Cytogenetic location: 8p23.1.
Variant type: single nucleotide variant.
Coding change: c.404A>C on transcript NM_001715.3 (MANE Select); coding-DNA position 404, A replaced by C.
Protein change: p.Glu135Ala; replaces glutamic acid 135 with alanine.
Molecular consequence: missense variant.
Genome position (GRCh38, 1-based): chr8:11,550,194, A>C. VCF-style: chr8-11550194-A-C. GRCh37 (hg19) VCF-style: chr8-11407703-A-C.
Other names: c.191A>C, p.Glu64Ala (NM_001330465.2); short protein forms E135A, E64A.
Identifiers: ClinVar variation 4709520 (VCV004709520.1).

ClinVar aggregate classification (germline): Uncertain significance (1 of 4 stars; one submission).

Submission:

Labcorp Genetics (formerly Invitae), Labcorp
Classification: Uncertain significance. Last evaluated: 2025-06-20. Review status: criteria provided, single submitter. Criteria: Invitae Variant Classification Sherloc (09022015). Collection method: clinical testing. Allele origin: germline.
Comment: This sequence change replaces glutamic acid, which is acidic and polar, with alanine, which is neutral and non-polar, at codon 135 of the BLK protein (p.Glu135Ala). This variant is not present in population databases (gnomAD no frequency). This variant has not been reported in the literature in individuals affected with BLK-related conditions. An algorithm developed to predict the effect of missense changes on protein structure and function (PolyPhen-2) suggests that this variant is likely to be disruptive. In summary, the available evidence is currently insufficient to determine the role of this variant in disease. Therefore, it has been classified as a Variant of Uncertain Significance.